The following is an entry in ClinVar:

NM_000138.5(FBN1):c.3850dup (p.Cys1284fs)

Gene: FBN1 (fibrillin 1; minus strand). Cytogenetic location: 15q21.1.
Variant type: Duplication.
Coding change: c.3850dup on transcript NM_000138.5 (MANE Select); coding-DNA position 3850, one base duplicated (T; older notation c.3850dupT).
Protein change: p.Cys1284fs; shifts the reading frame from cysteine 1284.
Molecular consequence: frameshift variant.
Genome position (GRCh38, 1-based): chr15:48,481,769, A duplicated on the plus strand (T on the coding strand, the reverse complement: FBN1 is on the minus strand). VCF-style (leftmost placement, unchanged base first): chr15-48481768-C-CA. GRCh37 (hg19) VCF-style: chr15-48773965-C-CA.
Other names: c.3850dup, p.Cys1284Leufs (NM_001406716.1); short protein forms C1284fs.
Identifiers: ClinVar variation 2116715 (VCV002116715.4), dbSNP rs2505533825, ClinGen allele CA2580089548.

ClinVar aggregate classification (germline): Pathogenic (1 of 4 stars; one submission).

Conditions:
Familial thoracic aortic aneurysm and aortic dissection (TAAD). Also called: Thoracic aortic aneurysms and dissections. Identifiers: Orphanet 91387, MedGen C4707243, MONDO:0019625.
Marfan syndrome (MFS). Also called: MARFAN SYNDROME, TYPE I; Marfan syndrome type 1; Marfan's syndrome; Marfan syndrome, classic; FBN1-Related Marfan Syndrome. Identifiers: Orphanet 284963, Orphanet 558, MedGen C0024796, MONDO:0007947, OMIM 154700.

Submission:

Labcorp Genetics (formerly Invitae), Labcorp
Classification: Pathogenic for Marfan syndrome; Familial thoracic aortic aneurysm and aortic dissection. Last evaluated: 2022-03-25. Review status: criteria provided, single submitter. Criteria: Invitae Variant Classification Sherloc (09022015). Collection method: clinical testing. Allele origin: germline.
Comment: This variant has not been reported in the literature in individuals affected with FBN1-related conditions. For these reasons, this variant has been classified as Pathogenic. This variant is not present in population databases (gnomAD no frequency). This sequence change creates a premature translational stop signal (p.Cys1284Leufs*2) in the FBN1 gene. It is expected to result in an absent or disrupted protein product. Loss-of-function variants in FBN1 are known to be pathogenic (PMID: 17657824, 19293843).

Literature cited by the submitters: PubMed 17657824; PubMed 19293843.